The following is an entry in ClinVar:

NM_004526.4(MCM2):c.645C>A (p.Phe215Leu)

Gene: MCM2 (minichromosome maintenance complex component 2; plus strand). Cytogenetic location: 3q21.3.
Variant type: single nucleotide variant.
Coding change: c.645C>A on transcript NM_004526.4 (MANE Select); coding-DNA position 645, C replaced by A.
Protein change: p.Phe215Leu; replaces phenylalanine 215 with leucine.
Molecular consequence: missense variant. On other transcripts: non-coding transcript variant (1).
Genome position (GRCh38, 1-based): chr3:127,605,128, C>A. VCF-style: chr3-127605128-C-A. GRCh37 (hg19) VCF-style: chr3-127323971-C-A.
Other names: short protein forms F215L.
Identifiers: ClinVar variation 2791486 (VCV002791486.3), dbSNP rs770907129, ClinGen allele CA2595650.

ClinVar aggregate classification (germline): Uncertain significance (1 of 4 stars; one submission).

Allele frequency attached by ClinVar (database versions not stated): gnomAD exomes below 0.00001; ExAC 0.00002.
gnomAD v4.1: 6 of 1,614,160 alleles (0.00037%); highest among the groups gnomAD compares: South Asian, 0.0066%; no homozygotes.

Submission:

Labcorp Genetics (formerly Invitae), Labcorp
Classification: Uncertain significance. Last evaluated: 2024-01-20. Review status: criteria provided, single submitter. Criteria: Invitae Variant Classification Sherloc (09022015). Collection method: clinical testing. Allele origin: germline.
Comment: This sequence change replaces phenylalanine, which is neutral and non-polar, with leucine, which is neutral and non-polar, at codon 215 of the MCM2 protein (p.Phe215Leu). This variant is present in population databases (rs770907129, gnomAD 0.01%). This variant has not been reported in the literature in individuals affected with MCM2-related conditions. Advanced modeling of protein sequence and biophysical properties (such as structural, functional, and spatial information, amino acid conservation, physicochemical variation, residue mobility, and thermodynamic stability) performed at Invitae indicates that this missense variant is not expected to disrupt MCM2 protein function with a negative predictive value of 80%. In summary, the available evidence is currently insufficient to determine the role of this variant in disease. Therefore, it has been classified as a Variant of Uncertain Significance.